The following is an entry in ClinVar:

NM_001184.4(ATR):c.4877A>G (p.Tyr1626Cys)

Gene: ATR (ATR checkpoint kinase; minus strand). Cytogenetic location: 3q23.
Variant type: single nucleotide variant.
Coding change: c.4877A>G on transcript NM_001184.4 (MANE Select); coding-DNA position 4877, A replaced by G.
Protein change: p.Tyr1626Cys; replaces tyrosine 1626 with cysteine.
Molecular consequence: missense variant.
Genome position (GRCh38, 1-based): chr3:142,508,085, T>C on the plus strand (A>G on the coding strand, the complement: ATR is on the minus strand). VCF-style: chr3-142508085-T-C. GRCh37 (hg19) VCF-style: chr3-142226927-T-C.
Other names: c.4685A>G, p.Tyr1562Cys (NM_001354579.2); short protein forms Y1562C, Y1626C.
Identifiers: ClinVar variation 1743751 (VCV001743751.2), dbSNP rs2473200601, ClinGen allele CA354820938.

ClinVar aggregate classification (germline): Uncertain significance (1 of 4 stars; one submission).

Conditions:
Inborn genetic diseases. Identifiers: MedGen C0950123, MeSH D030342.

Allele frequency attached by ClinVar (database versions not stated): gnomAD exomes below 0.00001.
gnomAD v4.1: 1 of 1,612,882 alleles (0.000062%); highest among the groups gnomAD compares: Admixed American, 0.0017%; no homozygotes.

Submission:

Ambry Genetics
Classification: Uncertain significance for Inborn genetic diseases. Last evaluated: 2023-11-03. Review status: criteria provided, single submitter. Criteria: Ambry Variant Classification Scheme 2023. Collection method: clinical testing. Allele origin: germline.
Comment: The p.Y1626C variant (also known as c.4877A>G), located in coding exon 28 of the ATR gene, results from an A to G substitution at nucleotide position 4877. The tyrosine at codon 1626 is replaced by cysteine, an amino acid with highly dissimilar properties. This amino acid position is conserved. In addition, the in silico prediction for this alteration is inconclusive. Since supporting evidence is limited at this time, the clinical significance of this alteration remains unclear.